The following is an entry in ClinVar:

NM_004519.4(KCNQ3):c.1764G>A (p.Gly588=)

Gene: KCNQ3 (potassium voltage-gated channel subfamily Q member 3; minus strand). Cytogenetic location: 8q24.22.
Variant type: single nucleotide variant.
Coding change: c.1764G>A on transcript NM_004519.4 (MANE Select); coding-DNA position 1764, G replaced by A.
Protein change: p.Gly588=; no amino-acid change (glycine 588 retained).
Molecular consequence: synonymous variant.
Genome position (GRCh38, 1-based): chr8:132,134,325, C>T on the plus strand (G>A on the coding strand, the complement: KCNQ3 is on the minus strand). VCF-style: chr8-132134325-C-T. GRCh37 (hg19) VCF-style: chr8-133146572-C-T.
Other names: c.1404G>A, p.Gly468= (NM_001204824.2).
Identifiers: ClinVar variation 681368 (VCV000681368.1), dbSNP rs760012446, ClinGen allele CA372218133.
Genomic context (GRCh38, chr8:132,134,325, plus strand): 5'-ATCAGTCCATGTCCACTGGCCCCACCTGGGAGATTGCTGGGATGGGAAGGTGAATGCTGA[C>T]CCTTTCTGAGACTTCTTGTGTTTTGGCGTGGAGGGAGGTCCAGGGGTGAAAATCATATCT-3'
Protein context (NP_004510.1, residues 578-598): STPKHKKSQK[Gly588=]SAFTFPSQQS

ClinVar aggregate classification (germline): Likely benign (1 of 4 stars; one submission).

Submission:

GeneDx
Classification: Likely benign. Last evaluated: 2018-04-02. Review status: criteria provided, single submitter. Criteria: GeneDx Variant Classification (06012015). Collection method: clinical testing. Allele origin: germline. Affected: yes.
Comment: This variant is considered likely benign or benign based on one or more of the following criteria: it is a conservative change, it occurs at a poorly conserved position in the protein, it is predicted to be benign by multiple in silico algorithms, and/or has population frequency not consistent with disease.